The following is an entry in ClinVar:

NM_001243156.2(TAF1C):c.1640C>T (p.Pro547Leu)

Gene: TAF1C (TATA-box binding protein associated factor, RNA polymerase I subunit C; minus strand). Cytogenetic location: 16q24.1.
Variant type: single nucleotide variant.
Coding change: c.1640C>T on transcript NM_001243156.2 (MANE Select); coding-DNA position 1640, C replaced by T.
Protein change: p.Pro547Leu; replaces proline 547 with leucine.
Molecular consequence: missense variant.
Genome position (GRCh38, 1-based): chr16:84,179,833, G>A on the plus strand (C>T on the coding strand, the complement: TAF1C is on the minus strand). VCF-style: chr16-84179833-G-A. GRCh37 (hg19) VCF-style: chr16-84213439-G-A.
Other names: c.722C>T, p.Pro241Leu (NM_001243157.2, NM_001243158.2); c.491C>T, p.Pro164Leu (NM_001243159.2); c.287C>T, p.Pro96Leu (NM_001243160.2); c.1718C>T, p.Pro573Leu (NM_005679.4); c.1436C>T, p.Pro479Leu (NM_139353.3); short protein forms P164L, P241L, P479L, P547L, P573L, P96L.
Identifiers: ClinVar variation 2646913 (VCV002646913.24), dbSNP rs4150170, ClinGen allele CA8203533.

ClinVar aggregate classification (germline): Likely benign (1 of 4 stars; one submission).

Allele frequency attached by ClinVar (database versions not stated): 1000 Genomes Project 30x 0.00109; 1000 Genomes Project 0.00140; TOPMed 0.00337; ESP Exome Variant Server 0.00348; gnomAD exomes 0.00539; gnomAD 0.00560; ExAC 0.00767.
gnomAD v4.1: 8,685 of 1,606,722 alleles (0.54%); highest among the groups gnomAD compares: South Asian, 0.55%; 69 homozygotes.

Submission:

CeGaT Center for Human Genetics Tuebingen
Classification: Likely benign. Last evaluated: 2023-02-01. Review status: criteria provided, single submitter. Criteria: CeGaT Center For Human Genetics Tuebingen Variant Classification Criteria Version 2. Collection method: clinical testing. Allele origin: germline. Affected: yes. Observed: 2 variant alleles.
Comment: TAF1C: BP4, BS2